The following is an entry in ClinVar:

ClinVar aggregate classification (germline): Uncertain significance (1 of 4 stars; one submission).

Submission:

GeneDx
Classification: Uncertain significance. Last evaluated: 2025-06-10. Review status: criteria provided, single submitter. Criteria: GeneDx Variant Classification Process June 2021. Collection method: clinical testing. Allele origin: germline. Affected: yes.
Comment: Not observed at significant frequency in large population cohorts (gnomAD); In silico analysis supports a deleterious effect on protein structure/function; Has not been previously published as pathogenic or benign to our knowledge

NM_001292063.2(OTOG):c.1133_1134delinsTT (p.Arg378Leu)

Gene: OTOG (otogelin; plus strand). Cytogenetic location: 11p15.1.
Variant type: Indel.
Coding change: c.1133_1134delinsTT on transcript NM_001292063.2 (MANE Select); coding-DNA positions 1133 to 1134, GG replaced by TT.
Protein change: p.Arg378Leu; replaces arginine 378 with leucine.
Molecular consequence: missense variant.
Genome position (GRCh38, 1-based): chr11:17,559,081-17,559,082, GG replaced by TT. VCF-style: chr11-17559081-GG-TT. GRCh37 (hg19) VCF-style: chr11-17580628-GG-TT.
Other names: c.1169_1170delinsTT, p.Arg390Leu (NM_001277269.2); short protein forms R378L, R390L.
Identifiers: ClinVar variation 4537566 (VCV004537566.1).
Genomic context (GRCh38, chr11:17,559,081, plus strand): 5'-TTCCAGTGTGACCCTTGGTTTCTCTGCACAGATCAATGGGTGATGTAGCCACCTGGTGCC[GG>TT]GCACTGGCGGAGTATGCCCGGGCGTGTGCCCAGGCAGGGCGGCCCTTGCAAGGCTGGAGG-3'
Protein context (NP_001278992.1, residues 368-388): QSMGDVATWC[Arg378Leu]ALAEYARACA